The following is an entry in ClinVar:

NM_001079802.2(FKTN):c.520G>A (p.Val174Ile)

Gene: FKTN (fukutin; plus strand). Cytogenetic location: 9q31.2.
Variant type: single nucleotide variant.
Coding change: c.520G>A on transcript NM_001079802.2 (MANE Select); coding-DNA position 520, G replaced by A.
Protein change: p.Val174Ile; replaces valine 174 with isoleucine.
Molecular consequence: missense variant. On other transcripts: non-coding transcript variant (2).
Genome position (GRCh38, 1-based): chr9:105,604,365, G>A. VCF-style: chr9-105604365-G-A. GRCh37 (hg19) VCF-style: chr9-108366646-G-A.
Other names: c.520G>A, p.Val174Ile (NM_001198963.2, NM_001351496.2, NM_001351498.2 and 1 more transcripts); c.451G>A, p.Val151Ile (NM_001351497.2); c.124G>A, p.Val42Ile (NM_001351499.2, NM_001351500.2, NM_001351501.2 and 1 more transcripts); short protein forms V174I, V42I, V151I.
Identifiers: ClinVar variation 1513943 (VCV001513943.8), dbSNP rs749663903, ClinGen allele CA197437781.

ClinVar aggregate classification (germline): Uncertain significance (1 of 4 stars; one submission).

Conditions:
Walker-Warburg congenital muscular dystrophy. Also called: Muscular dystrophy-dystroglycanopathy, type A; Walker-Warburg syndrome. Identifiers: Orphanet 899, MedGen C0265221, MONDO:0000171.

Allele frequency attached by ClinVar (database versions not stated): gnomAD exomes below 0.00001.
gnomAD v4.1: 1 of 1,614,120 alleles (0.000062%); highest among the groups gnomAD compares: Non-Finnish European, 0.000085%; no homozygotes.

Submission:

Labcorp Genetics (formerly Invitae), Labcorp
Classification: Uncertain significance for Walker-Warburg congenital muscular dystrophy. Last evaluated: 2024-05-20. Review status: criteria provided, single submitter. Criteria: Invitae Variant Classification Sherloc (09022015). Collection method: clinical testing. Allele origin: germline.
Comment: This sequence change replaces valine, which is neutral and non-polar, with isoleucine, which is neutral and non-polar, at codon 174 of the FKTN protein (p.Val174Ile). This variant is not present in population databases (gnomAD no frequency). This variant has not been reported in the literature in individuals affected with FKTN-related conditions. ClinVar contains an entry for this variant (Variation ID: 1513943). Advanced modeling of protein sequence and biophysical properties (such as structural, functional, and spatial information, amino acid conservation, physicochemical variation, residue mobility, and thermodynamic stability) performed at Invitae indicates that this missense variant is not expected to disrupt FKTN protein function with a negative predictive value of 80%. In summary, the available evidence is currently insufficient to determine the role of this variant in disease. Therefore, it has been classified as a Variant of Uncertain Significance.